The following is an entry in ClinVar:

ClinVar aggregate classification (germline): Uncertain significance (1 of 4 stars; one submission).

Allele frequency attached by ClinVar (database versions not stated): gnomAD exomes below 0.00001.
gnomAD v4.1: 4 of 1,614,178 alleles (0.00025%); highest among the groups gnomAD compares: Middle Eastern, 0.016%; no homozygotes.

Submission:

Labcorp Genetics (formerly Invitae), Labcorp
Classification: Uncertain significance. Last evaluated: 2022-06-20. Review status: criteria provided, single submitter. Criteria: Invitae Variant Classification Sherloc (09022015). Collection method: clinical testing. Allele origin: germline.
Comment: This sequence change replaces tyrosine, which is neutral and polar, with serine, which is neutral and polar, at codon 282 of the GNMT protein (p.Tyr282Ser). This variant is present in population databases (no rsID available, gnomAD 0.01%). This variant has not been reported in the literature in individuals affected with GNMT-related conditions. Algorithms developed to predict the effect of missense changes on protein structure and function output the following: SIFT: "Not Available"; PolyPhen-2: "Benign"; Align-GVGD: "Not Available". The serine amino acid residue is found in multiple mammalian species, which suggests that this missense change does not adversely affect protein function. In summary, the available evidence is currently insufficient to determine the role of this variant in disease. Therefore, it has been classified as a Variant of Uncertain Significance.

NM_018960.6(GNMT):c.845A>C (p.Tyr282Ser)

Genes: CNPY3-GNMT (CNPY3-GNMT readthrough; plus strand), GNMT (glycine N-methyltransferase; plus strand). Cytogenetic location: 6p21.1.
Variant type: single nucleotide variant.
Coding change: c.845A>C on transcript NM_018960.6 (MANE Select); coding-DNA position 845, A replaced by C.
Protein change: p.Tyr282Ser; replaces tyrosine 282 with serine.
Molecular consequence: missense variant. On other transcripts: non-coding transcript variant (4).
Genome position (GRCh38, 1-based): chr6:42,963,663, A>C. VCF-style: chr6-42963663-A-C. GRCh37 (hg19) VCF-style: chr6-42931401-A-C.
Other names: c.647A>C, p.Tyr216Ser (NM_001318856.2); c.662A>C, p.Tyr221Ser (NM_001318857.2); c.554A>C, p.Tyr185Ser (NM_001318858.2); c.788A>C, p.Tyr263Ser (NM_001318865.2); short protein forms Y216S, Y221S, Y263S, Y282S, Y185S.
Identifiers: ClinVar variation 1984474 (VCV001984474.4), dbSNP rs1231641415, ClinGen allele CA364148502.